The following is an entry in ClinVar:

NM_024642.5(GALNT12):c.81A>G (p.Leu27=)

Genes: GALNT12 (polypeptide N-acetylgalactosaminyltransferase 12; plus strand), LOC130002222 (ATAC-STARR-seq lymphoblastoid silent region 20123; plus strand). Cytogenetic location: 9q22.33.
Variant type: single nucleotide variant.
Coding change: c.81A>G on transcript NM_024642.5 (MANE Select); coding-DNA position 81, A replaced by G.
Protein change: p.Leu27=; no amino-acid change (leucine 27 retained).
Molecular consequence: synonymous variant.
Genome position (GRCh38, 1-based): chr9:98,807,779, A>G. VCF-style: chr9-98807779-A-G. GRCh37 (hg19) VCF-style: chr9-101570061-A-G.
Identifiers: ClinVar variation 1762406 (VCV001762406.3), dbSNP rs1835407102, ClinGen allele CA466423713.

ClinVar aggregate classification (germline): Benign/Likely benign. Review status: criteria provided, multiple submitters, no conflicts (2 of 4 stars). 2 submissions from 2 submitters: Benign (1); Likely benign (1). Last evaluated 2026-04-22.

Conditions:
Colorectal cancer, susceptibility to, 1. Also called: COLORECTAL ADENOMA AND CANCER, SUSCEPTIBILITY TO; COLORECTAL CANCER, SUSCEPTIBILITY TO, ON CHROMOSOME 9. Identifiers: MedGen C1837315, MONDO:0012132, OMIM 608812.

Submissions (2):

Myriad Genetics, Inc.
Classification: Benign for Colorectal cancer, susceptibility to, 1. Last evaluated: 2026-04-22. Review status: criteria provided, single submitter. Criteria: Myriad Autosomal Dominant, Autosomal Recessive and X-Linked Classification Criteria (2023). Collection method: clinical testing. Allele origin: unknown.
Comment: This variant is considered benign. This variant is a silent/synonymous amino acid change and it is not expected to impact splicing.

Ambry Genetics
Classification: Likely benign. Last evaluated: 2022-03-16. Review status: criteria provided, single submitter. Criteria: Ambry Variant Classification Scheme 2023. Collection method: clinical testing. Allele origin: germline.